The following is an entry in ClinVar:

NM_000350.3(ABCA4):c.4539+859C>T

Gene: ABCA4 (ATP binding cassette subfamily A member 4; minus strand). Cytogenetic location: 1p22.1.
Variant type: single nucleotide variant.
Coding change: c.4539+859C>T on transcript NM_000350.3 (MANE Select); 859 bases into the intron after coding-DNA position 4539, C replaced by T.
Molecular consequence: intron variant.
Genome position (GRCh38, 1-based): chr1:94,028,586, G>A on the plus strand (C>T on the coding strand, the complement: ABCA4 is on the minus strand). VCF-style: chr1-94028586-G-A. GRCh37 (hg19) VCF-style: chr1-94494142-G-A.
Other names: c.4317+859C>T (NM_001425324.1).
Identifiers: ClinVar variation 4534607 (VCV004534607.6).

ClinVar aggregate classification (germline): Likely benign (1 of 4 stars; one submission).

gnomAD v4.1: 881 of 152,232 alleles (0.58%); highest among the groups gnomAD compares: Non-Finnish European, 1%; 4 homozygotes.

Submission:

CeGaT Center for Human Genetics Tuebingen
Classification: Likely benign. Last evaluated: 2026-10-01. Review status: criteria provided, single submitter. Criteria: CeGaT Center For Human Genetics Tuebingen Variant Classification Criteria Version 2. Collection method: clinical testing. Allele origin: germline. Affected: yes. Observed: 4 variant alleles.
Comment: ABCA4: BS2